The following is an entry in ClinVar:

NM_005876.5(SPEG):c.7504C>T (p.Arg2502Trp)

Genes: ASIC4-AS1 (ASIC4 antisense RNA 1; minus strand), SPEG (striated muscle enriched protein kinase; plus strand). Cytogenetic location: 2q35.
Variant type: single nucleotide variant.
Coding change: c.7504C>T on transcript NM_005876.5 (MANE Select); coding-DNA position 7504, C replaced by T.
Protein change: p.Arg2502Trp; replaces arginine 2502 with tryptophan.
Molecular consequence: missense variant.
Genome position (GRCh38, 1-based): chr2:219,484,967, C>T. VCF-style: chr2-219484967-C-T. GRCh37 (hg19) VCF-style: chr2-220349689-C-T.
Other names: short protein forms R2502W.
Identifiers: ClinVar variation 1916897 (VCV001916897.5), dbSNP rs191238352, ClinGen allele CA350702829.

ClinVar aggregate classification (germline): Uncertain significance (1 of 4 stars; one submission).

gnomAD v4.1: 3 of 1,529,444 alleles (0.0002%); highest among the groups gnomAD compares: East Asian, 0.0049%; no homozygotes.

Submission:

Labcorp Genetics (formerly Invitae), Labcorp
Classification: Uncertain significance. Last evaluated: 2024-12-19. Review status: criteria provided, single submitter. Criteria: Invitae Variant Classification Sherloc (09022015). Collection method: clinical testing. Allele origin: germline.
Comment: This sequence change replaces arginine, which is basic and polar, with tryptophan, which is neutral and slightly polar, at codon 2502 of the SPEG protein (p.Arg2502Trp). This variant is not present in population databases (gnomAD no frequency). This variant has not been reported in the literature in individuals affected with SPEG-related conditions. ClinVar contains an entry for this variant (Variation ID: 1916897). An algorithm developed to predict the effect of missense changes on protein structure and function (PolyPhen-2) suggests that this variant is likely to be disruptive. In summary, the available evidence is currently insufficient to determine the role of this variant in disease. Therefore, it has been classified as a Variant of Uncertain Significance.